The following is an entry in ClinVar:

ClinVar aggregate classification (germline): Uncertain significance (1 of 4 stars; one submission).

Conditions:
Neuropathy, hereditary sensory and autonomic, type 2A (HSAN2A). Also called: ACROOSTEOLYSIS, GIACCAI TYPE; ACROOSTEOLYSIS, NEUROGENIC; MORVAN DISEASE; NEUROPATHY, CONGENITAL SENSORY; NEUROPATHY, HEREDITARY SENSORY RADICULAR, AUTOSOMAL RECESSIVE; NEUROPATHY, HEREDITARY SENSORY, TYPE IIA. Identifiers: Orphanet 970, MedGen C2752089, MONDO:0024309, OMIM 201300.
Pseudohypoaldosteronism type 2C (PHA2C). Also called: Pseudohypoaldosteronism Type IIC. Identifiers: Orphanet 757, Orphanet 88940, MedGen C1840391, MONDO:0013778, OMIM 614492.

Allele frequency attached by ClinVar (database versions not stated): gnomAD exomes 0.00002; TOPMed 0.00002; gnomAD 0.00005.
gnomAD v4.1: 19 of 1,614,050 alleles (0.0012%); highest among the groups gnomAD compares: Non-Finnish European, 0.0015%; no homozygotes.

Submission:

Labcorp Genetics (formerly Invitae), Labcorp
Classification: Uncertain significance for Neuropathy, hereditary sensory and autonomic, type 2A; Pseudohypoaldosteronism type 2C. Last evaluated: 2023-11-10. Review status: criteria provided, single submitter. Criteria: Invitae Variant Classification Sherloc (09022015). Collection method: clinical testing. Allele origin: germline.
Comment: This sequence change replaces proline, which is neutral and non-polar, with leucine, which is neutral and non-polar, at codon 2575 of the WNK1 protein (p.Pro2575Leu). This variant is present in population databases (no rsID available, gnomAD 0.005%). This variant has not been reported in the literature in individuals affected with WNK1-related conditions. ClinVar contains an entry for this variant (Variation ID: 1463415). Advanced modeling of protein sequence and biophysical properties (such as structural, functional, and spatial information, amino acid conservation, physicochemical variation, residue mobility, and thermodynamic stability) performed at Invitae indicates that this missense variant is not expected to disrupt WNK1 protein function with a negative predictive value of 95%. In summary, the available evidence is currently insufficient to determine the role of this variant in disease. Therefore, it has been classified as a Variant of Uncertain Significance.

NM_018979.4(WNK1):c.6968C>T (p.Pro2323Leu)

Gene: WNK1 (WNK lysine deficient protein kinase 1; plus strand). Cytogenetic location: 12p13.33.
Variant type: single nucleotide variant.
Coding change: c.6968C>T on transcript NM_018979.4 (MANE Select); coding-DNA position 6968, C replaced by T.
Protein change: p.Pro2323Leu; replaces proline 2323 with leucine.
Molecular consequence: missense variant.
Genome position (GRCh38, 1-based): chr12:908,611, C>T. VCF-style: chr12-908611-C-T. GRCh37 (hg19) VCF-style: chr12-1017777-C-T.
Other names: c.7748C>T, p.Pro2583Leu (NM_001184985.2); c.6224C>T, p.Pro2075Leu (NM_014823.3); c.7724C>T, p.Pro2575Leu (NM_213655.5); short protein forms P2575L, P2583L, P2075L, P2323L.
Identifiers: ClinVar variation 1463415 (VCV001463415.6), dbSNP rs1173650870, ClinGen allele CA383341029.
Genomic context (GRCh38, chr12:908,611, plus strand): 5'-CCCCCATCTCTGCAGCATCAGCTACCTCTCTAGGTCACTTCACCAAGTCTATGTGCCCCC[C>T]ACAGCAGTATGGCTTTCCAGCTACCCCATTTGGCGCTCAATGGAGTGGGACGGGTGGCCC-3'
Protein context (NP_061852.3, residues 2313-2333): LGHFTKSMCP[Pro2323Leu]QQYGFPATPF